The following is an entry in ClinVar:

ClinVar aggregate classification (germline): Conflicting classifications of pathogenicity. Review status: criteria provided, conflicting classifications (1 of 4 stars). 7 submissions from 3 submitters: Uncertain significance (6); Likely benign (1). Last evaluated 2025-04-09.

Conditions:
Early-onset myopathy with fatal cardiomyopathy (CMYO5). Also called: CONGENITAL MYOPATHY 5 WITH CARDIOMYOPATHY; Salih Myopathy. Identifiers: Orphanet 289377, MedGen C2673677, MONDO:0012714, OMIM 611705. Disease mechanism: loss of function.
Autosomal recessive limb-girdle muscular dystrophy type 2J (LGMDR10). Also called: Limb-girdle muscular dystrophy, type 2J; MUSCULAR DYSTROPHY, LIMB-GIRDLE, AUTOSOMAL RECESSIVE 10. Identifiers: Orphanet 140922, MedGen C1837342, MONDO:0012127, OMIM 608807.
Myopathy, myofibrillar, 9, with early respiratory failure (MFM9). Also called: EDSTROM MYOPATHY; MYOPATHY, PROXIMAL, WITH EARLY RESPIRATORY MUSCLE INVOLVEMENT; Myopathy, distal, with early respiratory failure, autosomal dominant; Hereditary myopathy with early respiratory failure. Identifiers: Orphanet 178464, Orphanet 34521, MedGen C1863599, MONDO:0011362, OMIM 603689.
Dilated cardiomyopathy 1G (CMD1G). Identifiers: Orphanet 154, MedGen C1858763, MONDO:0011400, OMIM 604145.
Tibial muscular dystrophy (TMD). Also called: Tibial muscular dystrophy, tardive; UDD MYOPATHY; Udd Distal Myopathy – Tibial Muscular Dystrophy. Identifiers: Orphanet 609, MedGen C1838244, MONDO:0010870, OMIM 600334.

Allele frequency attached by ClinVar (database versions not stated): TOPMed 0.00001.
gnomAD v4.1: 13 of 1,613,162 alleles (0.00081%); highest among the groups gnomAD compares: East Asian, 0.018%; no homozygotes.

Submissions (7):

Molecular Diagnostic Laboratory for Inherited Cardiovascular Disease, Montreal Heart Institute
Classification: Likely benign. Last evaluated: 2025-04-09. Review status: criteria provided, single submitter. Criteria: ACMG Guidelines, 2015. Collection method: clinical testing. Allele origin: germline. Affected: no.

GeneDx
Classification: Uncertain significance. Last evaluated: 2025-02-21. Review status: criteria provided, single submitter. Criteria: GeneDx Variant Classification Process June 2021. Collection method: clinical testing. Allele origin: germline. Affected: yes.
Comment: Not observed at significant frequency in large population cohorts (gnomAD); Missense variant in a gene in which most reported pathogenic variants are truncating/loss of function; Has not been previously published as pathogenic or benign to our knowledge

Illumina Laboratory Services, Illumina
Classification: Uncertain significance for Dilated cardiomyopathy 1G. Last evaluated: 2018-01-12. Review status: criteria provided, single submitter. Criteria: ICSL Variant Classification Criteria 13 December 2019. Collection method: clinical testing. Allele origin: germline.

Illumina Laboratory Services, Illumina
Classification: Uncertain significance for Early-onset myopathy with fatal cardiomyopathy. Last evaluated: 2018-01-12. Review status: criteria provided, single submitter. Criteria: ICSL Variant Classification Criteria 13 December 2019. Collection method: clinical testing. Allele origin: germline.

Illumina Laboratory Services, Illumina
Classification: Uncertain significance for Tibial muscular dystrophy. Last evaluated: 2018-01-12. Review status: criteria provided, single submitter. Criteria: ICSL Variant Classification Criteria 13 December 2019. Collection method: clinical testing. Allele origin: germline.

Illumina Laboratory Services, Illumina
Classification: Uncertain significance for Myopathy, myofibrillar, 9, with early respiratory failure. Last evaluated: 2018-01-12. Review status: criteria provided, single submitter. Criteria: ICSL Variant Classification Criteria 13 December 2019. Collection method: clinical testing. Allele origin: germline.

Illumina Laboratory Services, Illumina
Classification: Uncertain significance for Autosomal recessive limb-girdle muscular dystrophy type 2J. Last evaluated: 2018-01-12. Review status: criteria provided, single submitter. Criteria: ICSL Variant Classification Criteria 13 December 2019. Collection method: clinical testing. Allele origin: germline.

NM_001267550.2(TTN):c.21506A>C (p.Asn7169Thr)

Gene: TTN (titin; minus strand). Cytogenetic location: 2q31.2.
Variant type: single nucleotide variant.
Coding change: c.21506A>C on transcript NM_001267550.2 (MANE Select); coding-DNA position 21506, A replaced by C.
Protein change: p.Asn7169Thr; replaces asparagine 7169 with threonine.
Molecular consequence: missense variant. On other transcripts: intron variant (3).
Genome position (GRCh38, 1-based): chr2:178,723,594, T>G on the plus strand (A>C on the coding strand, the complement: TTN is on the minus strand). VCF-style: chr2-178723594-T-G. GRCh37 (hg19) VCF-style: chr2-179588321-T-G.
Other names: c.20555A>C, p.Asn6852Thr (NM_001256850.1); c.17774A>C, p.Asn5925Thr (NM_133378.4); c.13282+14488A>C (NM_003319.4); c.13858+14488A>C (NM_133437.4); c.13657+14488A>C (NM_133432.3); c.21506A>C (NM_001267550.1); short protein forms N5925T, N7169T, N6852T.
Identifiers: ClinVar variation 893427 (VCV000893427.6), dbSNP rs786205314, ClinGen allele CA349534245.